The following is an entry in ClinVar:

ClinVar aggregate classification (germline): Uncertain significance (1 of 4 stars; one submission).

Conditions:
Parathyroid carcinoma (PRTC). Also called: Parathyroid gland carcinoma; CDC73-Related Parathyroid Carcinoma. Identifiers: Orphanet 143, MedGen C0687150, MONDO:0012004, OMIM 608266, HP:0006780.

Submission:

Labcorp Genetics (formerly Invitae), Labcorp
Classification: Uncertain significance for Parathyroid carcinoma. Last evaluated: 2019-06-04. Review status: criteria provided, single submitter. Criteria: Invitae Variant Classification Sherloc (09022015). Collection method: clinical testing. Allele origin: germline.
Comment: This variant is a gross duplication of the genomic region encompassing exons 7-17 of the CDC73 gene. The 5' boundary is likely confined to intron 6. The 3' end of this event is unknown as it extends beyond the assayed region for this gene and therefore may encompass additional genes. The exact location of this variant in the genome is unknown. This variant has not been reported in the literature in individuals with CDC73-related disease. In summary, the available evidence is currently insufficient to determine the role of this variant in disease. Therefore, it has been classified as a Variant of Uncertain Significance.

NC_000001.11:g.(?_193141840)_(193250722_?)dup

Genes: B3GALT2 (beta-1,3-galactosyltransferase 2; minus strand), CDC73 (cell division cycle 73; plus strand). Cytogenetic location: 1q31.2.
Variant type: Duplication.
Identifiers: ClinVar variation 832279 (VCV000832279.1).